The following is an entry in ClinVar:

ClinVar aggregate classification (germline): Uncertain significance. Review status: criteria provided, multiple submitters, no conflicts (2 of 4 stars). 2 submissions from 2 submitters: Uncertain significance (2). Last evaluated 2026-03-20.

Conditions:
TTN-related disorder. Also called: TTN-related condition; TTN-related disease; TTN-related disorders.

Allele frequency attached by ClinVar (database versions not stated): ExAC 0.00003; gnomAD 0.00001; gnomAD exomes 0.00001 and 0.00002; TOPMed 0.00002.
gnomAD v4.1: 18 of 1,613,710 alleles (0.0011%); highest among the groups gnomAD compares: South Asian, 0.0055%; no homozygotes.

Submissions (2):

PreventionGenetics, part of Exact Sciences
Classification: Uncertain significance for TTN-related condition. Last evaluated: 2026-03-20. Review status: criteria provided, single submitter. Criteria: ACMG Guidelines, 2015. Collection method: clinical testing. Allele origin: germline.
Comment: The TTN c.93140G>A variant is predicted to result in the amino acid substitution p.Arg31047Gln. This variant has been reported in an individual with dilated cardiomyopathy (Table S3, Mazzarotto et al. 2020. PubMed ID: 31983221). This variant is reported in 0.0098% of alleles in individuals of South Asian descent in gnomAD. At this time, the clinical significance of this variant is uncertain due to the absence of conclusive functional and genetic evidence.

ARUP Laboratories, Molecular Genetics and Genomics, ARUP Laboratories
Classification: Uncertain significance. Last evaluated: 2020-08-07. Review status: criteria provided, single submitter. Criteria: ARUP Molecular Germline Variant Investigation Process. Collection method: clinical testing. Allele origin: germline.
Comment: The TTN c.93140G>A; p.Arg31047Gln variant (rs753897943) is rare in the general population (<0.2% allele frequency in the Genome Aggregation Database) and has not been reported in the medical literature in association with dilated cardiomyopathy (DCM) or other TTN-related disease. The clinical relevance of rare missense variants in this gene, which are identified on average once per individual sequenced in affected populations (Herman 2012), is not well understood. Yet, evidence suggests that the vast majority of such missense variants do not contribute to the clinical outcome of DCM (Begay 2015). Thus, the clinical significance of the p.Arg31047Gln variant cannot be determined with certainty.

NM_001267550.2(TTN):c.93140G>A (p.Arg31047Gln)

Genes: TTN (titin; minus strand), TTN-AS1 (TTN antisense RNA 1; plus strand). Cytogenetic location: 2q31.2.
Variant type: single nucleotide variant.
Coding change: c.93140G>A on transcript NM_001267550.2 (MANE Select); coding-DNA position 93140, G replaced by A.
Protein change: p.Arg31047Gln; replaces arginine 31047 with glutamine.
Molecular consequence: missense variant.
Genome position (GRCh38, 1-based): chr2:178,548,486, C>T on the plus strand (G>A on the coding strand, the complement: TTN is on the minus strand). VCF-style: chr2-178548486-C-T. GRCh37 (hg19) VCF-style: chr2-179413213-C-T.
Other names: c.88217G>A, p.Arg29406Gln (NM_001256850.1); c.65945G>A, p.Arg21982Gln (NM_003319.4); c.85436G>A, p.Arg28479Gln (NM_133378.4); c.66320G>A, p.Arg22107Gln (NM_133432.3); c.66521G>A, p.Arg22174Gln (NM_133437.4); short protein forms R21982Q, R22107Q, R22174Q, R28479Q, R29406Q, R31047Q.
Identifiers: ClinVar variation 993723 (VCV000993723.9), dbSNP rs753897943, ClinGen allele CA1987350.